The following is an entry in ClinVar:

ClinVar aggregate classification (germline): Uncertain significance (1 of 4 stars; one submission).

Allele frequency attached by ClinVar (database versions not stated): gnomAD exomes below 0.00001.

Submission:

Labcorp Genetics (formerly Invitae), Labcorp
Classification: Uncertain significance. Last evaluated: 2024-12-09. Review status: criteria provided, single submitter. Criteria: Invitae Variant Classification Sherloc (09022015). Collection method: clinical testing. Allele origin: germline.
Comment: This sequence change replaces histidine, which is basic and polar, with leucine, which is neutral and non-polar, at codon 151 of the POLR1C protein (p.His151Leu). This variant is present in population databases (rs146162408, gnomAD 0.003%). This variant has not been reported in the literature in individuals affected with POLR1C-related conditions. ClinVar contains an entry for this variant (Variation ID: 1493200). Invitae Evidence Modeling of protein sequence and biophysical properties (such as structural, functional, and spatial information, amino acid conservation, physicochemical variation, residue mobility, and thermodynamic stability) indicates that this missense variant is not expected to disrupt POLR1C protein function with a negative predictive value of 80%. In summary, the available evidence is currently insufficient to determine the role of this variant in disease. Therefore, it has been classified as a Variant of Uncertain Significance.

NM_203290.4(POLR1C):c.452A>T (p.His151Leu)

Gene: POLR1C (RNA polymerase I and III subunit C; plus strand). Cytogenetic location: 6p21.1.
Variant type: single nucleotide variant.
Coding change: c.452A>T on transcript NM_203290.4 (MANE Select); coding-DNA position 452, A replaced by T.
Protein change: p.His151Leu; replaces histidine 151 with leucine.
Molecular consequence: missense variant.
Genome position (GRCh38, 1-based): chr6:43,520,135, A>T. VCF-style: chr6-43520135-A-T. GRCh37 (hg19) VCF-style: chr6-43487873-A-T.
Other names: c.452A>T, p.His151Leu (NM_001318876.2, NM_001363658.2); short protein forms H151L.
Identifiers: ClinVar variation 1493200 (VCV001493200.8), dbSNP rs146162408, ClinGen allele CA3825441.